The following is an entry in ClinVar:

ClinVar aggregate classification (germline): Uncertain significance (1 of 4 stars; one submission).

Conditions:
Autosomal dominant nocturnal frontal lobe epilepsy 5. Also called: KCNT1-Related Epilepsy; CILIARY DYSKINESIA, PRIMARY, 28, WITHOUT SITUS INVERSUS; CILIARY DYSKINESIA, PRIMARY, 28, WITH SITUS INVERSUS; Epilepsy, nocturnal frontal lobe, 5. Identifiers: Orphanet 98784, MedGen C3554306, MONDO:0014002, OMIM 615005.
Developmental and epileptic encephalopathy, 14 (DEE14). Also called: Early infantile epileptic encephalopathy 14. Identifiers: Orphanet 293181, MedGen C3554195, MONDO:0013989, OMIM 614959.

Allele frequency attached by ClinVar (database versions not stated): TOPMed 0.00002.
gnomAD v4.1: 11 of 1,607,686 alleles (0.00068%); highest among the groups gnomAD compares: African/African-American, 0.0027%; no homozygotes.

Submission:

Labcorp Genetics (formerly Invitae), Labcorp
Classification: Uncertain significance for Autosomal dominant nocturnal frontal lobe epilepsy 5; Developmental and epileptic encephalopathy, 14. Last evaluated: 2025-09-27. Review status: criteria provided, single submitter. Criteria: Invitae Variant Classification Sherloc (09022015). Collection method: clinical testing. Allele origin: germline.
Comment: This sequence change replaces valine, which is neutral and non-polar, with methionine, which is neutral and non-polar, at codon 340 of the KCNT1 protein (p.Val340Met). The frequency data for this variant in the population databases is considered unreliable, as metrics indicate poor data quality at this position in the gnomAD database. This missense change has been observed in individual(s) with KCNT1-related conditions (PMID: 26122718; internal data). ClinVar contains an entry for this variant (Variation ID: 1037024). Invitae Evidence Modeling of protein sequence and biophysical properties (such as structural, functional, and spatial information, amino acid conservation, physicochemical variation, residue mobility, and thermodynamic stability) indicates that this missense variant is not expected to disrupt KCNT1 protein function with a negative predictive value of 80%. Experimental studies have shown that this missense change affects KCNT1 function (PMID: 37177976). In summary, the available evidence is currently insufficient to determine the role of this variant in disease. Therefore, it has been classified as a Variant of Uncertain Significance.

Literature cited by the submitters: PubMed 26122718; PubMed 37177976.

NM_020822.3(KCNT1):c.1018G>A (p.Val340Met)

Gene: KCNT1 (potassium sodium-activated channel subfamily T member 1; plus strand). Cytogenetic location: 9q34.3.
Variant type: single nucleotide variant.
Coding change: c.1018G>A on transcript NM_020822.3 (MANE Select); coding-DNA position 1018, G replaced by A.
Protein change: p.Val340Met; replaces valine 340 with methionine.
Molecular consequence: missense variant.
Genome position (GRCh38, 1-based): chr9:135,759,842, G>A. VCF-style: chr9-135759842-G-A. GRCh37 (hg19) VCF-style: chr9-138651688-G-A.
Other names: c.883G>A, p.Val295Met (NM_001272003.2); short protein forms V295M, V340M.
Identifiers: ClinVar variation 1037024 (VCV001037024.7), dbSNP rs558837964, ClinGen allele CA201461706.